The following is an entry in ClinVar:

ClinVar aggregate classification (germline): Conflicting classifications of pathogenicity. Review status: criteria provided, conflicting classifications (1 of 4 stars). 5 submissions from 5 submitters: Uncertain significance (1); Likely benign (4). Last evaluated 2026-01-21.

Conditions:
Early-infantile DEE. Also called: Ohtahara syndrome; Early infantile epileptic encephalopathy with suppression bursts; Early infantile epileptic encephalopathy. Identifiers: Orphanet 1934, MedGen C0393706, MONDO:0800491.
Inborn genetic diseases. Identifiers: MedGen C0950123, MeSH D030342.

Allele frequency attached by ClinVar (database versions not stated): gnomAD exomes below 0.00001.
gnomAD v4.1: 19 of 1,612,334 alleles (0.0012%); highest among the groups gnomAD compares: Middle Eastern, 0.2%; 1 homozygote.

Submissions (5):

Labcorp Genetics (formerly Invitae), Labcorp
Classification: Likely benign for Early-infantile DEE. Last evaluated: 2026-01-21. Review status: criteria provided, single submitter. Criteria: Invitae Variant Classification Sherloc (09022015). Collection method: clinical testing. Allele origin: germline.

CeGaT Center for Human Genetics Tuebingen
Classification: Likely benign. Last evaluated: 2022-08-01. Review status: criteria provided, single submitter. Criteria: CeGaT Center For Human Genetics Tuebingen Variant Classification Criteria Version 2. Collection method: clinical testing. Allele origin: germline. Affected: yes. Observed: 1 variant allele.
Comment: HCN1: BP4, BP7

Blueprint Genetics
Classification: Likely benign. Last evaluated: 2021-11-04. Review status: criteria provided, single submitter. Criteria: ACMG Guidelines, 2015. Collection method: clinical testing. Allele origin: germline.

Ambry Genetics
Classification: Likely benign for Inborn genetic diseases. Last evaluated: 2016-05-31. Review status: criteria provided, single submitter. Criteria: Ambry Variant Classification Scheme 2023. Collection method: clinical testing. Allele origin: germline.

Eurofins Ntd Llc (ga)
Classification: Uncertain significance. Last evaluated: 2015-01-22. Review status: criteria provided, single submitter. Criteria: EGL Classification Definitions 2015. Collection method: clinical testing. Allele origin: germline. Observed: 1 variant allele, 1 heterozygote.

NM_021072.4(HCN1):c.336C>A (p.Arg112=)

Gene: HCN1 (hyperpolarization activated cyclic nucleotide gated potassium channel 1; minus strand). Cytogenetic location: 5p12.
Variant type: single nucleotide variant.
Coding change: c.336C>A on transcript NM_021072.4 (MANE Select); coding-DNA position 336, C replaced by A.
Protein change: p.Arg112=; no amino-acid change (arginine 112 retained).
Molecular consequence: synonymous variant.
Genome position (GRCh38, 1-based): chr5:45,695,758, G>T on the plus strand (C>A on the coding strand, the complement: HCN1 is on the minus strand). VCF-style: chr5-45695758-G-T. GRCh37 (hg19) VCF-style: chr5-45695860-G-T.
Identifiers: ClinVar variation 193443 (VCV000193443.41), dbSNP rs794726951, ClinGen allele CA238964.
Genomic context (GRCh38, chr5:45,695,758, plus strand): 5'-GAAGCCTGCAGTTTTAACCCTTTCCTGCTCCTTTTCCACCGCCTTCTGGCTCCCAAACAT[G>T]CGGAGGGAGAATTTGTTGACCCCGGGCTGCAGCATGGAGGTGAACTGCCTCTGCATGAAG-3'
Protein context (NP_066550.2, residues 102-122): LQPGVNKFSL[Arg112=]MFGSQKAVEK